The following is an entry in ClinVar:

NM_000061.3(BTK):c.1489C>T (p.Gln497Ter)

Gene: BTK (Bruton tyrosine kinase; minus strand). Cytogenetic location: Xq22.1.
Variant type: single nucleotide variant.
Coding change: c.1489C>T on transcript NM_000061.3 (MANE Select); coding-DNA position 1489, C replaced by T.
Protein change: p.Gln497Ter; replaces glutamine 497 with a stop codon.
Molecular consequence: nonsense. On other transcripts: intron variant (1).
Genome position (GRCh38, 1-based): chrX:101,356,129, G>A on the plus strand (C>T on the coding strand, the complement: BTK is on the minus strand). VCF-style: chrX-101356129-G-A. GRCh37 (hg19) VCF-style: chrX-100611117-G-A.
Other names: c.1591C>T, p.Gln531Ter (NM_001287344.2); c.1039-1435C>T (NM_001287345.2); short protein forms Q497*, Q531*.
Identifiers: ClinVar variation 503706 (VCV000503706.2), dbSNP rs1555977811, ClinGen allele CA413923783.

ClinVar aggregate classification (germline): Pathogenic (1 of 4 stars; one submission).

Submission:

GeneDx
Classification: Pathogenic. Last evaluated: 2018-02-09. Review status: criteria provided, single submitter. Criteria: GeneDx Variant Classification (06012015). Collection method: clinical testing. Allele origin: germline. Affected: yes.
Comment: The Q497X nonsense variant in the BTK gene has been reported previously in them hemizygous state in male pateints with agammaglobulinemia (Hashimoto et al., 1996; Danielian et al., 2003; Basile et al., 2009). This pathogenic variant is predicted to cause loss of normal protein function either through protein truncation or nonsense-mediated mRNA decay. This variant is not observed in large population cohorts (Lek et al., 2016). Based on currently available evidence, we consider Q497X to be pathogenic.